The following is an entry in ClinVar:

ClinVar aggregate classification (germline): Uncertain significance (1 of 4 stars; one submission).

Conditions:
Cerebellar ataxia, impaired intellectual development, and dysequilibrium syndrome 1. Also called: CEREBELLAR ATAXIA AND MENTAL RETARDATION WITH OR WITHOUT QUADRUPEDAL LOCOMOTION 1; CEREBELLAR ATAXIA, CONGENITAL, AND MENTAL RETARDATION, AUTOSOMAL RECESSIVE; Cerebellar ataxia, intellectual disability, and dysequilibrium syndrome 1; VLDLR Cerebellar Hypoplasia; Cerebellar ataxia, mental retardation, and dysequilibrium syndrome 1; Cerebellar hypoplasia and mental retardation with or without quadrupedal locomotion 1. Identifiers: Orphanet 1766, MedGen C4551552, MONDO:0024542, OMIM 224050.

Submission:

Broad Center for Mendelian Genomics, Broad Institute of MIT and Harvard
Classification: Uncertain significance for Cerebellar ataxia, impaired intellectual development, and dysequilibrium syndrome 1. Last evaluated: 2018-12-03. Review status: criteria provided, single submitter. Criteria: ACMG Guidelines, 2015. Collection method: research. Allele origin: germline. Inheritance: Autosomal recessive inheritance. Affected: yes.
Comment: The homozygous p.Glu460AsnfsTer5 variant in VLDLR was identified by our study in one individiual with cerebellar ataxia, mental retardation, and dysequilbrium syndrome. This variant was absent from large population studies. At least two loss of function variants across multiple exons have been reported in association with cerebellar ataxia, mental retardation, and dysequilbrium syndrome in ClinVar. Loss of function of the VLDLR gene is a moderately established disease mechanism for cerebellar ataxia, mental retardation, and dysequilbrium syndrome. In summary, while there is some suspicion for a pathogenic role, the clinical significance of this variant is uncertain. ACMG/AMP Criteria applied: PM2, PVS1_Moderate (Richards 2015).

NM_003383.5(VLDLR):c.1374del (p.Glu460fs)

Gene: VLDLR (very low density lipoprotein receptor; plus strand). Cytogenetic location: 9p24.2.
Variant type: Deletion.
Coding change: c.1374del on transcript NM_003383.5 (MANE Select); coding-DNA position 1374, one base deleted (G; older notation c.1374delG).
Protein change: p.Glu460fs; shifts the reading frame from glutamic acid 460.
Molecular consequence: frameshift variant.
Genome position (GRCh38, 1-based): chr9:2,645,635, G deleted; the last of 2 consecutive G bases (chr9:2,645,634-2,645,635); deleting either gives the same sequence. VCF-style (leftmost placement, unchanged base first): chr9-2645633-AG-A. GRCh37 (hg19) VCF-style: chr9-2645633-AG-A.
Other names: c.1374del, p.Glu460fs (NM_001018056.3); c.1251del, p.Glu419fs (NM_001322225.2, NM_001322226.2); short protein forms E419fs, E460fs.
Identifiers: ClinVar variation 813944 (VCV000813944.1), dbSNP rs1586653366, ClinGen allele CA658820685.